The following is an entry in ClinVar:

ClinVar aggregate classification (germline): Uncertain significance (1 of 4 stars; one submission).

Conditions:
Epilepsy, childhood absence, susceptibility to, 1. Also called: Epilepsy, childhood absence 1. Identifiers: Orphanet 64280, MedGen C1838604, MONDO:0020759, OMIM 600131.
Epilepsy, childhood absence, susceptibility to, 5. Identifiers: Orphanet 64280, MedGen C2677087, MONDO:0012843, OMIM 612269.

gnomAD v4.1: 15 of 1,613,426 alleles (0.00093%); highest among the groups gnomAD compares: East Asian, 0.0022%; no homozygotes.

Submission:

Labcorp Genetics (formerly Invitae), Labcorp
Classification: Uncertain significance for Epilepsy, childhood absence, susceptibility to, 5; Epilepsy, childhood absence, susceptibility to, 1. Last evaluated: 2025-12-14. Review status: criteria provided, single submitter. Criteria: Invitae Variant Classification Sherloc (09022015). Collection method: clinical testing. Allele origin: germline.
Comment: This sequence change affects codon 278 of the GABRB3 mRNA. It is a 'silent' change, meaning that it does not change the encoded amino acid sequence of the GABRB3 protein. It affects a nucleotide within the consensus splice site. This variant is present in population databases (rs368573021, gnomAD 0.006%). This variant has not been reported in the literature in individuals affected with GABRB3-related conditions. Algorithms developed to predict the effect of sequence changes on RNA splicing suggest that this variant is not likely to affect RNA splicing. In summary, the available evidence is currently insufficient to determine the role of this variant in disease. Therefore, it has been classified as a Variant of Uncertain Significance.

NM_000814.6(GABRB3):c.834C>T (p.Leu278=)

Gene: GABRB3 (gamma-aminobutyric acid type A receptor subunit beta3; minus strand). Cytogenetic location: 15q12.
Variant type: single nucleotide variant.
Coding change: c.834C>T on transcript NM_000814.6 (MANE Select); coding-DNA position 834, C replaced by T.
Protein change: p.Leu278=; no amino-acid change (leucine 278 retained).
Molecular consequence: synonymous variant.
Genome position (GRCh38, 1-based): chr15:26,567,582, G>A on the plus strand (C>T on the coding strand, the complement: GABRB3 is on the minus strand). VCF-style: chr15-26567582-G-A. GRCh37 (hg19) VCF-style: chr15-26812729-G-A.
Other names: c.579C>T, p.Leu193= (NM_001191320.2, NM_001278631.2); c.621C>T, p.Leu207= (NM_001191321.3); c.834C>T, p.Leu278= (NM_021912.5).
Identifiers: ClinVar variation 4787424 (VCV004787424.1).
Genomic context (GRCh38, chr15:26,567,582, plus strand): 5'-TTAATACTGTAATGATACGGTTACTTTACATTTAAATATCACTTAAAAATAGCACATACC[G>A]AGGGCAACTCTAGCAGCAGATGCATCATAATTGATCCAGAAGGACACCCACGACAGAATC-3'
Protein context (NP_000805.1, residues 268-288): NYDASAARVA[Leu278=]GITTVLTMTT